The following is an entry in ClinVar:

NM_001128840.3(CACNA1D):c.5289G>A (p.Met1763Ile)

Gene: CACNA1D (calcium voltage-gated channel subunit alpha1 D; plus strand). Cytogenetic location: 3p21.1.
Variant type: single nucleotide variant.
Coding change: c.5289G>A on transcript NM_001128840.3 (MANE Select); coding-DNA position 5289, G replaced by A.
Protein change: p.Met1763Ile; replaces methionine 1763 with isoleucine.
Molecular consequence: missense variant.
Genome position (GRCh38, 1-based): chr3:53,801,306, G>A. VCF-style: chr3-53801306-G-A. GRCh37 (hg19) VCF-style: chr3-53835333-G-A.
Other names: c.5349G>A, p.Met1783Ile (NM_000720.4); c.5244G>A, p.Met1748Ile (NM_001128839.3); short protein forms M1748I, M1763I, M1783I.
Identifiers: ClinVar variation 1722038 (VCV001722038.5), dbSNP rs1272513758, ClinGen allele CA353250971.

ClinVar aggregate classification (germline): Uncertain significance (1 of 4 stars; one submission).

Allele frequency attached by ClinVar (database versions not stated): gnomAD exomes below 0.00001.

Submission:

Labcorp Genetics (formerly Invitae), Labcorp
Classification: Uncertain significance. Last evaluated: 2022-10-22. Review status: criteria provided, single submitter. Criteria: Invitae Variant Classification Sherloc (09022015). Collection method: clinical testing. Allele origin: germline.
Comment: In summary, the available evidence is currently insufficient to determine the role of this variant in disease. Therefore, it has been classified as a Variant of Uncertain Significance. Algorithms developed to predict the effect of missense changes on protein structure and function (SIFT, PolyPhen-2, Align-GVGD) all suggest that this variant is likely to be tolerated. This variant has not been reported in the literature in individuals affected with CACNA1D-related conditions. This variant is present in population databases (no rsID available, gnomAD 0.0009%). This sequence change replaces methionine, which is neutral and non-polar, with isoleucine, which is neutral and non-polar, at codon 1783 of the CACNA1D protein (p.Met1783Ile).